The following is an entry in ClinVar:

ClinVar aggregate classification (germline): Pathogenic (1 of 4 stars; one submission).

Conditions:
Familial thoracic aortic aneurysm and aortic dissection (TAAD). Also called: Thoracic aortic aneurysms and dissections. Identifiers: Orphanet 91387, MedGen C4707243, MONDO:0019625.
Marfan syndrome (MFS). Also called: FBN1-Related Marfan Syndrome; Marfan's syndrome; MARFAN SYNDROME, TYPE I; Marfan syndrome type 1; Marfan syndrome, classic. Identifiers: Orphanet 284963, Orphanet 558, MedGen C0024796, MONDO:0007947, OMIM 154700.

Submission:

Labcorp Genetics (formerly Invitae), Labcorp
Classification: Pathogenic for Marfan syndrome; Familial thoracic aortic aneurysm and aortic dissection. Last evaluated: 2025-05-18. Review status: criteria provided, single submitter. Criteria: Invitae Variant Classification Sherloc (09022015). Collection method: clinical testing. Allele origin: germline.
Comment: This sequence change creates a premature translational stop signal (p.Tyr2827*) in the FBN1 gene. While this is not anticipated to result in nonsense mediated decay, it is expected to disrupt the last 45 amino acid(s) of the FBN1 protein. This variant is not present in population databases (gnomAD no frequency). This variant has not been reported in the literature in individuals affected with FBN1-related conditions. ClinVar contains an entry for this variant (Variation ID: 849975). This variant disrupts a region of the FBN1 protein in which other variant(s) (p.Q2867*) have been determined to be pathogenic (PMID: 19293843). This suggests that this is a clinically significant region of the protein, and that variants that disrupt it are likely to be disease-causing. For these reasons, this variant has been classified as Pathogenic.

Literature cited by the submitters: PubMed 19293843.

NM_000138.5(FBN1):c.8477_8478insATAG (p.Thr2826_Tyr2827insTer)

Gene: FBN1 (fibrillin 1; minus strand). Cytogenetic location: 15q21.1.
Variant type: Insertion.
Coding change: c.8477_8478insATAG on transcript NM_000138.5 (MANE Select); coding-DNA positions 8477 to 8478, ATAG inserted.
Protein change: p.Thr2826_Tyr2827insTer.
Molecular consequence: nonsense, inframe insertion.
Genome position: GRCh38 VCF-style: chr15-48411128-G-GCTAT. GRCh37 (hg19) VCF-style: chr15-48703325-G-GCTAT.
Identifiers: ClinVar variation 849975 (VCV000849975.9), dbSNP rs2042858025, ClinGen allele CA916082397.
Genomic context (GRCh38, chr15:48,411,128, plus strand): 5'-TTCTAGTTGGTTAAGTTCTTTCTTTTTATAAAGTGGAGTACTACTGATTTGTAATGAATA[G>GCTAT]GTTCCAGCCACTGGCTTCTTCTTTGTGAAGTGGAGGTAGCTGATCCCTTCCTTTTGGTTG-3'